The following is an entry in ClinVar:

ClinVar aggregate classification (germline): Benign. Review status: criteria provided, multiple submitters, no conflicts (2 of 4 stars). 3 submissions from 3 submitters: Benign (3). Last evaluated 2024-07-31.

Allele frequency attached by ClinVar (database versions not stated): TOPMed 0.35941; 1000 Genomes Project 30x 0.45893; ESP Exome Variant Server 0.34891; 1000 Genomes Project 0.45767.
gnomAD v4.1: 402,409 of 1,609,844 alleles (25%); highest among the groups gnomAD compares: East Asian, 65%; 62,610 homozygotes.

Submissions (3):

Unidad de Genómica Garrahan, Hospital de Pediatría Garrahan
Classification: Benign. Last evaluated: 2024-07-31. Review status: criteria provided, single submitter. Criteria: ACMG Guidelines, 2015. Collection method: clinical testing. Allele origin: germline. Affected: no. Observed: 31 variant alleles.
Comment: This variant is classified as Benign based on local population frequency. This variant was detected in 33% of patients studied in a panel designed for Epileptic and Developmental Encephalopathy, Progressive Myoclonus Epilepsy and Abnormal Movements and Neurodegeneration with brain iron accumulation. Number of patients: 31. Only high quality variants are reported.

GeneDx
Classification: Benign. Last evaluated: 2021-03-28. Review status: criteria provided, single submitter. Criteria: GeneDx Variant Classification Process June 2021. Collection method: clinical testing. Allele origin: germline. Affected: yes.

Breakthrough Genomics
Classification: Benign. Review status: criteria provided, single submitter. Criteria: ACMG Guidelines, 2015. Collection method: not provided. Allele origin: germline. Inheritance: Autosomal recessive inheritance. Affected: yes.

NM_000718.4(CACNA1B):c.3287-43A>G

Genes: CACNA1B (calcium voltage-gated channel subunit alpha1 B; plus strand), LOC101928786 (uncharacterized LOC101928786; minus strand). Cytogenetic location: 9q34.3.
Variant type: single nucleotide variant.
Coding change: c.3287-43A>G on transcript NM_000718.4 (MANE Select); 43 bases into the intron before coding-DNA position 3287, A replaced by G.
Molecular consequence: intron variant. On other transcripts: non-coding transcript variant (1).
Genome position (GRCh38, 1-based): chr9:138,043,731, A>G. VCF-style: chr9-138043731-A-G. GRCh37 (hg19) VCF-style: chr9-140938183-A-G.
Other names: c.3287-43A>G (NM_001243812.2).
Identifiers: ClinVar variation 1221825 (VCV001221825.6), dbSNP rs3750506, ClinGen allele CA5376603.